The following is an entry in ClinVar:

ClinVar aggregate classification (germline): Likely pathogenic (1 of 4 stars; one submission).

Conditions:
Intellectual developmental disorder with poor growth and with or without seizures or ataxia. Identifiers: MedGen C5394135, MONDO:0032930, OMIM 618808.

Submission:

Harry Perkins Institute Of Medical Research, University Of Western Australia
Classification: Likely pathogenic for Intellectual developmental disorder with poor growth and with or without seizures or ataxia. Last evaluated: 2026-03-24. Review status: criteria provided, single submitter. Criteria: ACMG Guidelines, 2015. Collection method: research. Allele origin: germline. Inheritance: Autosomal recessive inheritance. Affected: yes. Observed: 1 variant allele.
Comment: PVS1_Very_Strong (Null variant (nonsense) in gene ABCA2, predicted to cause NMD. Loss-of-function is a known mechanism of disease (gene has 15 reported pathogenic LOF variants). The exon affects 1 functional domain: UniProt protein ABCA2_HUMAN domain 'ABC transporter 2), PM2_Supporting (Variant not found in gnomAD genomes, good gnomAD genomes coverage = 34.2.)

Literature cited by the submitters: PubMed 31047799.

NM_001606.5(ABCA2):c.6382C>T (p.Gln2128Ter)

Gene: ABCA2 (ATP binding cassette subfamily A member 2; minus strand). Cytogenetic location: 9q34.3.
Variant type: single nucleotide variant.
Coding change: c.6382C>T on transcript NM_001606.5 (MANE Select); coding-DNA position 6382, C replaced by T.
Protein change: p.Gln2128Ter; replaces glutamine 2128 with a stop codon.
Molecular consequence: nonsense.
Genome position (GRCh38, 1-based): chr9:137,010,096, G>A on the plus strand (C>T on the coding strand, the complement: ABCA2 is on the minus strand). VCF-style: chr9-137010096-G-A. GRCh37 (hg19) VCF-style: chr9-139904548-G-A.
Other names: c.6379C>T, p.Gln2127Ter (NM_001411042.1); c.6472C>T, p.Gln2158Ter (NM_212533.3); short protein forms Q2127*, Q2128*, Q2158*.
Identifiers: ClinVar variation 4857663 (VCV004857663.1).